The following is an entry in ClinVar:

NM_000553.6(WRN):c.944T>G (p.Leu315Ter)

Gene: WRN (WRN RecQ like helicase; plus strand). Cytogenetic location: 8p12.
Variant type: single nucleotide variant.
Coding change: c.944T>G on transcript NM_000553.6 (MANE Select); coding-DNA position 944, T replaced by G.
Protein change: p.Leu315Ter; replaces leucine 315 with a stop codon.
Molecular consequence: nonsense.
Genome position (GRCh38, 1-based): chr8:31,080,971, T>G. VCF-style: chr8-31080971-T-G. GRCh37 (hg19) VCF-style: chr8-30938487-T-G.
Other names: short protein forms L315*.
Identifiers: ClinVar variation 949529 (VCV000949529.7), dbSNP rs1813280584, ClinGen allele CA370919987.

ClinVar aggregate classification (germline): Pathogenic/Likely pathogenic. Review status: criteria provided, multiple submitters, no conflicts (2 of 4 stars). 2 submissions from 2 submitters: Pathogenic (1); Likely pathogenic (1). Last evaluated 2023-10-12.

Conditions:
Werner syndrome (WRN). Identifiers: Orphanet 902, MedGen C0043119, MONDO:0010196, OMIM 277700.

Allele frequency attached by ClinVar (database versions not stated): TOPMed below 0.00001.

Submissions (2):

Baylor Genetics
Classification: Likely pathogenic for Werner syndrome. Last evaluated: 2023-10-12. Review status: criteria provided, single submitter. Criteria: ACMG Guidelines, 2015. Collection method: clinical testing. Allele origin: unknown.

Labcorp Genetics (formerly Invitae), Labcorp
Classification: Pathogenic for Werner syndrome. Last evaluated: 2021-01-22. Review status: criteria provided, single submitter. Criteria: Invitae Variant Classification Sherloc (09022015). Collection method: clinical testing. Allele origin: germline.
Comment: For these reasons, this variant has been classified as Pathogenic. This variant has not been reported in the literature in individuals with WRN-related conditions. ClinVar contains an entry for this variant (Variation ID: 949529). This variant is not present in population databases (ExAC no frequency). This sequence change creates a premature translational stop signal (p.Leu315*) in the WRN gene. It is expected to result in an absent or disrupted protein product. Loss-of-function variants in WRN are known to be pathogenic (PMID: 16673358).

Literature cited by the submitters: PubMed 16673358 (cited by Labcorp Genetics (formerly Invitae), Labcorp).